The following is an entry in ClinVar:

ClinVar aggregate classification (germline): Uncertain significance (1 of 4 stars; one submission).

Allele frequency attached by ClinVar (database versions not stated): gnomAD 0.00001; TOPMed 0.00001; ExAC 0.00002; gnomAD exomes 0.00002 and 0.00003.
gnomAD v4.1: 27 of 1,613,988 alleles (0.0017%); highest among the groups gnomAD compares: Non-Finnish European, 0.0023%; no homozygotes.

Submission:

Labcorp Genetics (formerly Invitae), Labcorp
Classification: Uncertain significance. Last evaluated: 2021-11-14. Review status: criteria provided, single submitter. Criteria: Invitae Variant Classification Sherloc (09022015). Collection method: clinical testing. Allele origin: germline.
Comment: This variant is present in population databases (rs751296635, gnomAD 0.007%). This sequence change replaces glycine, which is neutral and non-polar, with arginine, which is basic and polar, at codon 20 of the PLA2G5 protein (p.Gly20Arg). This variant has not been reported in the literature in individuals affected with PLA2G5-related conditions. In summary, the available evidence is currently insufficient to determine the role of this variant in disease. Therefore, it has been classified as a Variant of Uncertain Significance. Algorithms developed to predict the effect of sequence changes on RNA splicing suggest that this variant may create or strengthen a splice site. Algorithms developed to predict the effect of missense changes on protein structure and function are either unavailable or do not agree on the potential impact of this missense change (SIFT: "Tolerated"; PolyPhen-2: "Probably Damaging"; Align-GVGD: "Class C0").

NM_000929.3(PLA2G5):c.58G>A (p.Gly20Arg)

Gene: PLA2G5 (phospholipase A2 group V; plus strand). Cytogenetic location: 1p36.13.
Variant type: single nucleotide variant.
Coding change: c.58G>A on transcript NM_000929.3 (MANE Select); coding-DNA position 58, G replaced by A.
Protein change: p.Gly20Arg; replaces glycine 20 with arginine.
Molecular consequence: missense variant.
Genome position (GRCh38, 1-based): chr1:20,086,100, G>A. VCF-style: chr1-20086100-G-A. GRCh37 (hg19) VCF-style: chr1-20412593-G-A.
Other names: short protein forms G20R.
Identifiers: ClinVar variation 1499131 (VCV001499131.6), dbSNP rs751296635, ClinGen allele CA658167.